The following is an entry in ClinVar:

ClinVar aggregate classification (germline): Uncertain significance (1 of 4 stars; one submission).

Submission:

GeneDx
Classification: Uncertain significance. Last evaluated: 2024-03-11. Review status: criteria provided, single submitter. Criteria: GeneDx Variant Classification Process June 2021. Collection method: clinical testing. Allele origin: germline. Affected: yes.
Comment: Not observed at significant frequency in large population cohorts (gnomAD); In silico analysis supports that this missense variant does not alter protein structure/function; Has not been previously published as pathogenic or benign to our knowledge

NM_001379291.1(BRD4):c.2579C>G (p.Pro860Arg)

Gene: BRD4 (bromodomain containing 4; minus strand). Cytogenetic location: 19p13.12.
Variant type: single nucleotide variant.
Coding change: c.2579C>G on transcript NM_001379291.1 (MANE Select); coding-DNA position 2579, C replaced by G.
Protein change: p.Pro860Arg; replaces proline 860 with arginine.
Molecular consequence: missense variant.
Genome position (GRCh38, 1-based): chr19:15,244,233, G>C on the plus strand (C>G on the coding strand, the complement: BRD4 is on the minus strand). VCF-style: chr19-15244233-G-C. GRCh37 (hg19) VCF-style: chr19-15355044-G-C.
Other names: c.2579C>G, p.Pro860Arg (NM_058243.3); short protein forms P860R.
Identifiers: ClinVar variation 3370815 (VCV003370815.1).